The following is an entry in ClinVar:

ClinVar aggregate classification (germline): Conflicting classifications of pathogenicity. Review status: criteria provided, conflicting classifications (1 of 4 stars). 29 submissions from 27 submitters: Pathogenic (2); Likely pathogenic (6); Uncertain significance (17); Likely benign (1). 3 of the submissions do not count toward it. Last evaluated 2026-09-03.

Conditions:
Hereditary spastic paraplegia. Also called: Familial spastic paraparesis. Identifiers: Orphanet 685, MedGen C0037773, MONDO:0019064. Disease mechanism: loss of function.
Inborn genetic diseases. Identifiers: MedGen C0950123, MeSH D030342.
POLG-related disorder. Also called: POLG-Related Spectrum Disorders; POLG-related condition; POLG-Related Disorders. Identifiers: MedGen C4763519.
Sensory ataxic neuropathy, dysarthria, and ophthalmoparesis (SANDO). Also called: Sensory ataxic neuropathy-dysarthria-ophthalmoparesis syndrome; Ataxia Neuropathy Spectrum (ANS); SENSORY ATAXIC NEUROPATHY WITH MITOCHONDRIAL DNA DELETIONS, AUTOSOMAL RECESSIVE; Epilepsy, progressive myoclonic, type 5. Identifiers: Orphanet 70595, MedGen C1843851, MONDO:0011835, OMIM 607459.
Progressive sclerosing poliodystrophy (MTDPS4A). Also called: Mitochondrial DNA depletion syndrome 4A (Alpers type); Mitochondrial DNA Depletion Syndrome 4A; ALPERS PROGRESSIVE INFANTILE POLIODYSTROPHY; Alpers-Huttenlocher Syndrome; Alpers Syndrome; ALPERS DIFFUSE DEGENERATION OF CEREBRAL GRAY MATTER WITH HEPATIC CIRRHOSIS. Identifiers: Orphanet 726, MedGen C0205710, MONDO:0008758, OMIM 203700.
Mitochondrial DNA depletion syndrome 4b. Also called: Mitochondrial Neurogastrointestinal Encephalopathy Disease, POLG-Related; MNGIE, POLG-RELATED. Identifiers: Orphanet 298, MedGen C3150914, MONDO:0013350, OMIM 613662.
Progressive external ophthalmoplegia with mitochondrial DNA deletions, autosomal dominant 1 (PEOA1). Also called: PROGRESSIVE EXTERNAL OPHTHALMOPLEGIA, AUTOSOMAL DOMINANT 1; Autosomal Dominant Progressive External Ophthalmoplegia (adPEO). Identifiers: MedGen C1834846, MONDO:0024528, OMIM 157640.
Progressive external ophthalmoplegia with mitochondrial DNA deletions, autosomal recessive 1 (PEOB1). Also called: Progressive external ophthalmoplegia, autosomal recessive 1; Autosomal Recessive Progressive External Ophthalmoplegia (arPEO). Identifiers: Orphanet 254886, MedGen C4225153, MONDO:0009783, OMIM 258450.
Mitochondrial DNA depletion syndrome 1. Also called: Mitochondrial DNA Depletion Syndrome, MNGIE Form; Mitochondrial DNA depletion syndrome 1 (MNGIE type); Mitochondrial Neurogastrointestinal Encephalopathy Disease; MITOCHONDRIAL NEUROGASTROINTESTINAL ENCEPHALOPATHY SYNDROME, TYMP-RELATED; MNGIE, TYMP-RELATED; Mitochondrial neurogastrointestinal encephalomyopathy syndrome. Identifiers: Orphanet 298, MedGen C4551995, MONDO:0011283, OMIM 603041.
Lennox-Gastaut syndrome. Also called: Epileptic encephalopathy Lennox-Gastaut type. Identifiers: Orphanet 2382, MedGen C0238111, MONDO:0016532.
Mitochondrial disease. Also called: Mitochondrial disorder; Mitochondrial disorders. Identifiers: Orphanet 68380, MedGen C0751651, MeSH D028361, MONDO:0044970.

Allele frequency attached by ClinVar (database versions not stated): TOPMed 0.00070; gnomAD exomes 0.00083 and 0.00047; 1000 Genomes Project 30x 0.00094; 1000 Genomes Project 0.00100; ESP Exome Variant Server 0.00031; ExAC 0.00044; gnomAD 0.00063.
gnomAD v4.1: 1,307 of 1,614,230 alleles (0.081%); highest among the groups gnomAD compares: Non-Finnish European, 0.091%; 1 homozygote.

Submissions 1 to 7 of 29:

PreventionGenetics, part of Exact Sciences
Classification: Likely pathogenic for POLG-related condition. Last evaluated: 2026-09-03. Review status: criteria provided, single submitter. Criteria: ACMG Guidelines, 2015. Collection method: clinical testing. Allele origin: germline.
Comment: The POLG c.1402A>G variant is predicted to result in the amino acid substitution p.Asn468Asp. This variant has been reported in combination with a second POLG variant in multiple individuals with autosomal recessive (AR) POLG-related mitochondrial disease (Luoma et al. 2004. PubMed ID: 15351195; González-Vioque et al. 2006. PubMed ID: 16401742; Buzkova et al. 2018. PubMed ID: 30373890; Woodbridge et al. 2013. PubMed ID: 22647225) and has been noted to segregate with AR disease in at least two families (Wanrooij et al. 2004. PubMed ID: 15181170; Palin et al. 2013. PubMed ID: 23811324). This variant has also been reported in the heterozygous state (without a second POLG variant) in multiple individuals with suspected autosomal dominant (AD) POLG-related mitochondrial disease (Schulte et al. 2009. PubMed ID: 19752458; Supplementary table 3, Tang et al. 2011. PubMed ID: 21880868; Bird et al. 2019. PubMed ID: 31658717); however, in three families this variant did not segregate with AD disease (Luoma et al. 2004. PubMed ID: 15351195; Blok et al. 2009. PubMed ID:19578034; Swoboda et al. 2013. PubMed ID: 24259288). This variant has conflicting classifications listed in ClinVar ranging from likely benign to pathogenic (Variation ID: 206596). This variant is reported in 0.072% of alleles in individuals of European (Finnish) descent in gnomAD. This variant is interpreted as likely pathogenic for autosomal recessive disease; however, this variant is considered uncertain for autosomal dominant POLG-related conditions.

Otogenetics
Classification: Likely pathogenic for Progressive external ophthalmoplegia with mitochondrial DNA deletions, autosomal dominant 1; Progressive sclerosing poliodystrophy; Progressive external ophthalmoplegia with mitochondrial DNA deletions, autosomal recessive 1; Mitochondrial DNA depletion syndrome 4b; POLG-related disorder. Last evaluated: 2026-02-16. Review status: criteria provided, single submitter. Criteria: ACMG Guidelines, 2015. Collection method: clinical testing. Allele origin: germline.

Labcorp Genetics (formerly Invitae), Labcorp
Classification: Likely benign for Progressive sclerosing poliodystrophy. Last evaluated: 2026-02-03. Review status: criteria provided, single submitter. Criteria: Invitae Variant Classification Sherloc (09022015). Collection method: clinical testing. Allele origin: germline.

Mayo Clinic Laboratories, Mayo Clinic
Classification: Uncertain significance. Last evaluated: 2025-11-04. Review status: criteria provided, single submitter. Criteria: ACMG Guidelines, 2015. Collection method: clinical testing. Allele origin: germline. Observed: 11 variant alleles.

GeneDx
Classification: Likely pathogenic. Last evaluated: 2025-10-28. Review status: criteria provided, single submitter. Criteria: GeneDx Variant Classification Process June 2021. Collection method: clinical testing. Allele origin: germline. Affected: yes.
Comment: Identified in three members of a family with CPEO, peripheral neuropathy, parkinsonism, and multiple mtDNA deletions in muscle who were also heterozygous for another POLG variant on the other allele; the authors could not conclusively determine whether p.(N468D) was related to the phenotype as siblings carrying p.(N468D) were unaffected (PMID: 15351195, 15181170); Identified as homozygous in an infant with Aicardi-Goutires syndrome who was also homozygous for a pathogenic variant in TREX1 (PMID: 33683010); In silico analysis indicates that this missense variant does not alter protein structure/function; This variant is associated with the following publications: (PMID: 24122062, 19578034, 24508722, 28284481, 31669236, 32391929, 32347949, 29029963, 29712893, 16401742, 24259288, 21880868, 34426522, 22647225, 23811324, 19752458, 15181170, 32234506, 33513296, 23921535, 35114397, 36291626, 33683010, 35641312, 15351195, 24331360, 25193669, 37138020, 30255931, 31658717, 29997391, 30373890, 23426270, 39333430, 40565516)

Women's Health and Genetics/Laboratory Corporation of America, LabCorp
Classification: Uncertain significance. Last evaluated: 2025-07-16. Review status: criteria provided, single submitter. Criteria: LabCorp Variant Classification Summary - May 2015. Collection method: clinical testing. Allele origin: germline.
Comment: Variant summary: POLG c.1402A>G (p.Asn468Asp) results in a conservative amino acid change in the encoded protein sequence. Algorithms developed to predict the effect of missense changes on protein structure and function are either unavailable or do not agree on the potential impact of this missense change. The variant allele was found at a frequency of 0.00081 in 1614230 control chromosomes in the gnomAD database, including 1 homozygote. This frequency is not significantly higher than estimated for a pathogenic variant in POLG causing POLG-Related Spectrum Disorders, allowing no conclusion about variant significance. c.1402A>G has been reported in the literature in individuals affected with variety of POLG-related phenotypes. The variant has been reported in three affected family members (and no unaffected family members) with progressive external ophthalmoplegia and parkinsonism and a patient with early onset Parkinson's disease, all with a second variant of unknown significance (Luoma_2004, Ylonen_2017). Additionally, the variant was reported along with a pathogenic variant in cases of progressive external ophthalmoplegia and tetraparesis and mitochondrial neurogastrointestinal encephalopathy (Gonzalez-Vioque_2006, Woodbridge_2013). The variant has also been reported in the homozygous state in a patient with congenital ataxia who had no features suggestive of a POLG-related phenotype, therefore ITPR1 variants were considered responsible for congenital ataxia in this patient (Valence_2019). The variant has also been reported in the heterozygous state in an individual with an unspecified movement disorder without a second allele identified (Schobers_2025). These data indicate that the variant may be associated with disease. These data indicate that the variant is likely to be associated with disease. To our knowledge, no experimental evidence demonstrating an impact on protein function has been reported. The following publications have been ascertained in the context of this evaluation (PMID: 31658717, 16401742, 15351195, 29997391, 15181170, 22647225, 29029963, 39333430). ClinVar contains an entry for this variant (Variation ID: 206596). Based on the evidence outlined above, the variant was classified as VUS-possibly pathogenic.

ARUP Laboratories, Molecular Genetics and Genomics, ARUP Laboratories
Classification: Uncertain significance. Last evaluated: 2025-02-06. Review status: criteria provided, single submitter. Criteria: ARUP Molecular Germline Variant Investigation Process 2024. Collection method: clinical testing. Allele origin: germline.

NM_002693.3(POLG):c.1402A>G (p.Asn468Asp)

Gene: POLG (DNA polymerase gamma, catalytic subunit; minus strand). Cytogenetic location: 15q26.1.
Variant type: single nucleotide variant.
Coding change: c.1402A>G on transcript NM_002693.3 (MANE Select); coding-DNA position 1402, A replaced by G.
Protein change: p.Asn468Asp; replaces asparagine 468 with aspartic acid.
Molecular consequence: missense variant.
Genome position (GRCh38, 1-based): chr15:89,327,198, T>C on the plus strand (A>G on the coding strand, the complement: POLG is on the minus strand). VCF-style: chr15-89327198-T-C. GRCh37 (hg19) VCF-style: chr15-89870429-T-C.
Other names: p.N468D:AAT>GAT; c.1402A>G, p.Asn468Asp (NM_001126131.2); short protein forms N468D.
Identifiers: ClinVar variation 206596 (VCV000206596.125), dbSNP rs145843073, ClinGen allele CA316834.